The following is an entry in ClinVar:

ClinVar aggregate classification (germline): Uncertain significance. Review status: criteria provided, multiple submitters, no conflicts (2 of 4 stars). 2 submissions from 2 submitters: Uncertain significance (2). Last evaluated 2024-06-17.

Conditions:
Frasier syndrome. Identifiers: Orphanet 347, MedGen C0950122, MeSH D052159, MONDO:0007635, OMIM 136680.
Drash syndrome (DDS). Also called: NEPHROPATHY, WILMS TUMOR, AND GENITAL ANOMALIES; WILMS TUMOR AND PSEUDO- OR TRUE HERMAPHRODITISM. Identifiers: Orphanet 220, MedGen C0950121, MONDO:0008682, OMIM 194080.
Wilms tumor 1 (WT1). Also called: Wilms tumor, somatic. Identifiers: Orphanet 654, MedGen CN033288, MONDO:0008679, OMIM 194070.
11p partial monosomy syndrome (WAGR). Also called: CHROMOSOME 11p13 DELETION SYNDROME; WAGR syndrome; WAGR Complex; WAGR Spectrum Disorder. Identifiers: Orphanet 893, MedGen C0206115, MONDO:0008681, OMIM 194072.
Mesothelioma, malignant (MESOM). Also called: Malignant mesothelioma (disease). Identifiers: Orphanet 50251, MedGen C0345967, MONDO:0006292, OMIM 156240, HP:0100001.
Meacham syndrome. Also called: Meacham Winn Culler syndrome. Identifiers: Orphanet 3097, MedGen C1837026, MONDO:0012164, OMIM 608978.
Nephrotic syndrome, type 4 (NPHS4). Also called: Familial mesangial sclerosis; Nephrotic syndrome, early onset with diffuse mesangial sclerosis. Identifiers: Orphanet 656, MedGen C3151568, MONDO:0009733, OMIM 256370.

Submissions (2):

Fulgent Genetics
Classification: Uncertain significance for Frasier syndrome; Mesothelioma, malignant; Wilms tumor 1; Drash syndrome; Nephrotic syndrome, type 4; Meacham syndrome. Last evaluated: 2024-06-17. Review status: criteria provided, single submitter. Criteria: ACMG Guidelines, 2015. Collection method: clinical testing. Allele origin: germline.

Labcorp Genetics (formerly Invitae), Labcorp
Classification: Uncertain significance for Wilms tumor 1; Drash syndrome; 11p partial monosomy syndrome; Frasier syndrome. Last evaluated: 2023-07-29. Review status: criteria provided, single submitter. Criteria: Invitae Variant Classification Sherloc (09022015). Collection method: clinical testing. Allele origin: germline.
Comment: This sequence change replaces cysteine, which is neutral and slightly polar, with tyrosine, which is neutral and polar, at codon 175 of the WT1 protein (p.Cys175Tyr). This variant is not present in population databases (gnomAD no frequency). This variant has not been reported in the literature in individuals affected with WT1-related conditions. Advanced modeling of protein sequence and biophysical properties (such as structural, functional, and spatial information, amino acid conservation, physicochemical variation, residue mobility, and thermodynamic stability) performed at Invitae indicates that this missense variant is not expected to disrupt WT1 protein function. In summary, the available evidence is currently insufficient to determine the role of this variant in disease. Therefore, it has been classified as a Variant of Uncertain Significance.

NM_024426.6(WT1):c.539G>A (p.Cys180Tyr)

Genes: WT1 (WT1 transcription factor; minus strand), LOC107982234 (WT1/WT1-AS bi-directional promoter region; plus strand). Cytogenetic location: 11p13.
Variant type: single nucleotide variant.
Coding change: c.539G>A on transcript NM_024426.6 (MANE Select); coding-DNA position 539, G replaced by A.
Protein change: p.Cys180Tyr; replaces cysteine 180 with tyrosine.
Molecular consequence: missense variant. On other transcripts: non-coding transcript variant (2).
Genome position (GRCh38, 1-based): chr11:32,434,822, C>T on the plus strand (G>A on the coding strand, the complement: WT1 is on the minus strand). VCF-style: chr11-32434822-C-T. GRCh37 (hg19) VCF-style: chr11-32456368-C-T.
Other names: c.539G>A, p.Cys180Tyr (NM_000378.6, NM_001407044.1, NM_001407045.1 and 6 more transcripts); c.524G>A, p.Cys175Tyr (NM_024425.2); short protein forms C180Y, C175Y.
Identifiers: ClinVar variation 2940962 (VCV002940962.4), dbSNP rs2133102350, ClinGen allele CA379964735.